The following is an entry in ClinVar:

ClinVar aggregate classification (germline): Likely benign (1 of 4 stars; one submission).

Conditions:
Dyskeratosis congenita. Identifiers: Orphanet 1775, MedGen C0265965, MONDO:0015780.

Allele frequency attached by ClinVar (database versions not stated): gnomAD 0.00009 and 0.00011; TOPMed 0.00022; 1000 Genomes Project 0.00060; 1000 Genomes Project 30x 0.00062.

Submission:

Illumina Laboratory Services, Illumina
Classification: Likely benign for Dyskeratosis congenita. Last evaluated: 2018-01-13. Review status: criteria provided, single submitter. Criteria: ICSL Variant Classification Criteria 13 December 2019. Collection method: clinical testing. Allele origin: germline.
Comment: This variant was observed in the ICSL laboratory as part of a predisposition screen in an ostensibly healthy population. It had not been previously curated by ICSL or reported in the Human Gene Mutation Database (HGMD: prior to June 1st, 2018), and was therefore a candidate for classification through an automated scoring system. Utilizing variant allele frequency, disease prevalence and penetrance estimates, and inheritance mode, an automated score was calculated to assess if this variant is too frequent to cause the disease. Based on the score and internal cut-off values, a variant classified as likely benign is not then subjected to further curation. The score for this variant resulted in a classification of likely benign for this disease.

NM_025099.6(CTC1):c.*2106G>T

Gene: CTC1 (CST telomere replication complex component 1; minus strand). Cytogenetic location: 17p13.1.
Variant type: single nucleotide variant.
Coding change: c.*2106G>T on transcript NM_025099.6 (MANE Select); 2106 bases downstream of the stop codon, G replaced by T.
Molecular consequence: 3 prime UTR variant. On other transcripts: non-coding transcript variant (1).
Genome position (GRCh38, 1-based): chr17:8,226,074, C>A on the plus strand (G>T on the coding strand, the complement: CTC1 is on the minus strand). VCF-style: chr17-8226074-C-A. GRCh37 (hg19) VCF-style: chr17-8129392-C-A.
Identifiers: ClinVar variation 325994 (VCV000325994.5), dbSNP rs192934640, ClinGen allele CA10651335.
Genomic context (GRCh38, chr17:8,226,074, plus strand): 5'-GCATCAGTTAAGCAAAGGACCCTTAGGCCTATGCAACATTTCTGCCCCTAAGTTAGAGAA[C>A]CACCTTTTAGAGTGGCGATCTCATGGGAGTGGCAGCTTGACTCTGCAGGAAATGTGGGTG-3'